The following is an entry in ClinVar:

NM_000088.4(COL1A1):c.4201G>T (p.Glu1401Ter)

Gene: COL1A1 (collagen type I alpha 1 chain; minus strand). Cytogenetic location: 17q21.33.
Variant type: single nucleotide variant.
Coding change: c.4201G>T on transcript NM_000088.4 (MANE Select); coding-DNA position 4201, G replaced by T.
Protein change: p.Glu1401Ter; replaces glutamic acid 1401 with a stop codon.
Molecular consequence: nonsense.
Genome position (GRCh38, 1-based): chr17:50,185,825, C>A on the plus strand (G>T on the coding strand, the complement: COL1A1 is on the minus strand). VCF-style: chr17-50185825-C-A. GRCh37 (hg19) VCF-style: chr17-48263186-C-A.
Other names: short protein forms E1401*.
Identifiers: ClinVar variation 3062269 (VCV003062269.1), dbSNP rs760860681, ClinGen allele CA400191614.

ClinVar aggregate classification (germline): Likely pathogenic (1 of 4 stars; one submission).

Conditions:
Osteogenesis imperfecta, perinatal lethal (OI2). Also called: OI, TYPE II; OSTEOGENESIS IMPERFECTA CONGENITA; VROLIK TYPE OF OSTEOGENESIS IMPERFECTA; OSTEOGENESIS IMPERFECTA, TYPE II; Osteogenesis imperfecta, dominant perinatal lethal; Osteogenesis imperfecta type 2. Identifiers: Orphanet 216804, MedGen C0268358, MONDO:0008147, OMIM 166210.
Osteogenesis imperfecta type III (OI3). Also called: Osteogenesis imperfecta type 3; OI type 3; Osteogenesis imperfecta, progressively deforming with normal sclerae; OI type III; Progressively Deforming Osteogenesis Imperfecta. Identifiers: Orphanet 216812, Orphanet 666, MedGen C0268362, MONDO:0009804, OMIM 259420.
Osteogenesis imperfecta type I (OI1). Also called: Lobstein disease; OI, TYPE I; OSTEOGENESIS IMPERFECTA TARDA; OSTEOGENESIS IMPERFECTA WITH BLUE SCLERAE; Osteogenesis imperfecta type 1; Lobstein's Disease. Identifiers: Orphanet 216796, Orphanet 666, MedGen C0023931, MONDO:0008146, OMIM 166200. Disease mechanism: loss of function.
Osteogenesis imperfecta with normal sclerae, dominant form (OI4). Also called: Osteogenesis Imperfecta Type IV; OSTEOGENESIS IMPERFECTA WITH NORMAL SCLERAE; Osteogenesis imperfecta type 4; Common Variable Osteogenesis Imperfecta with Normal Sclerae; OSTEOGENESIS IMPERFECTA, TYPE IV, WITH DENTINOGENESIS IMPERFECTA. Identifiers: Orphanet 216820, Orphanet 666, MedGen C0268363, MONDO:0008148, OMIM 166220.

Submission:

Molecular Genetics Department, Kulakov National Medical Research Center for Obstetrics, Gynecology and Perinatology
Classification: Likely pathogenic for Osteogenesis imperfecta type I; Osteogenesis imperfecta, perinatal lethal; Osteogenesis imperfecta type III; Osteogenesis imperfecta with normal sclerae, dominant form. Review status: criteria provided, single submitter. Criteria: ACMG Guidelines, 2015. Collection method: clinical testing. Allele origin: germline. Affected: yes.
Comment: A previously undescribed nucleotide variant creates a premature translation stop signal p.Glu1401Ter in the COL1A1 gene. Loss-of-function variants are reported in patients with Osteogenesis imperfecta, type I, 166200, Osteogenesis imperfecta, type II, 166210, Osteogenesis imperfecta, type III, 259420, Osteogenesis imperfecta, type IV, 166220. The variant is not present in population database (gnomAD no frequency). In summary, the currently available evidence indicates that the variant is pathogenic, but additional data are needed to prove that conclusively. Therefore, this variant has been classified as likely pathogenic.